The following is an entry in ClinVar:

ClinVar aggregate classification (germline): Benign/Likely benign. Review status: criteria provided, multiple submitters, no conflicts (2 of 4 stars). 13 submissions from 13 submitters: Benign (7); Likely benign (3). 3 of the submissions do not count toward it. Last evaluated 2026-02-02.

Conditions:
Cardiovascular phenotype. Identifiers: MedGen CN230736.
Catecholaminergic polymorphic ventricular tachycardia 1. Also called: VENTRICULAR TACHYCARDIA, CATECHOLAMINERGIC POLYMORPHIC, 1, WITH OR WITHOUT ATRIAL DYSFUNCTION AND/OR DILATED CARDIOMYOPATHY; VENTRICULAR TACHYCARDIA, STRESS-INDUCED POLYMORPHIC 1; RYR2-Related Catecholaminergic Polymorphic Ventricular Tachycardia. Identifiers: Orphanet 3286, MedGen C1631597, MONDO:0011484, OMIM 604772.
Cardiomyopathy (CMYO). Also called: Cardiomyopathies. Identifiers: Orphanet 167848, MedGen C0878544, MONDO:0004994, HP:0001638. Inheritance: Various modes of inheritance.

Allele frequency attached by ClinVar (database versions not stated): gnomAD exomes 0.00035 and 0.00086; ExAC 0.00223; ESP Exome Variant Server 0.00330; gnomAD 0.00346 and 0.00366; TOPMed 0.00394; 1000 Genomes Project 30x 0.00453; 1000 Genomes Project 0.00459.
gnomAD v4.1: 1,053 of 1,588,656 alleles (0.066%); highest among the groups gnomAD compares: African/African-American, 1.1%; 5 homozygotes.

Submissions (13):

Labcorp Genetics (formerly Invitae), Labcorp
Classification: Benign for Catecholaminergic polymorphic ventricular tachycardia 1. Last evaluated: 2026-02-02. Review status: criteria provided, single submitter. Criteria: Invitae Variant Classification Sherloc (09022015). Collection method: clinical testing. Allele origin: germline.

Molecular Diagnostic Laboratory for Inherited Cardiovascular Disease, Montreal Heart Institute
Classification: Benign. Last evaluated: 2025-04-09. Review status: criteria provided, single submitter. Criteria: ACMG Guidelines, 2015. Collection method: clinical testing. Allele origin: germline. Affected: no.

Mayo Clinic Laboratories, Mayo Clinic
Classification: Benign. Last evaluated: 2025-03-11. Review status: criteria provided, single submitter. Criteria: ACMG Guidelines, 2015. Collection method: clinical testing. Allele origin: germline. Observed: 3 variant alleles.
Comment: BS1, BS2, BP4, BP7

Blueprint Genetics
Classification: Likely benign. Last evaluated: 2024-10-18. Review status: criteria provided, single submitter. Criteria: ACMG Guidelines, 2015. Collection method: clinical testing. Allele origin: germline.

ARUP Laboratories, Molecular Genetics and Genomics, ARUP Laboratories
Classification: Likely benign. Last evaluated: 2023-09-06. Review status: criteria provided, single submitter. Criteria: ARUP Molecular Germline Variant Investigation Process 2024. Collection method: clinical testing. Allele origin: germline.

Color Diagnostics, LLC DBA Color Health
Classification: Benign for Cardiomyopathy. Last evaluated: 2018-04-26. Review status: criteria provided, single submitter. Criteria: ACMG Guidelines, 2015. Collection method: clinical testing. Allele origin: germline.

Women's Health and Genetics/Laboratory Corporation of America, LabCorp
Classification: Benign. Last evaluated: 2017-03-13. Review status: criteria provided, single submitter. Criteria: LabCorp Variant Classification Summary - May 2015. Collection method: clinical testing. Allele origin: germline.
Comment: Variant summary: The RYR2 c.13566C>T (p.Val4522Val) variant involves the alteration of a non-conserved nucleotide, resulting in a synonymous change. One in silico tool predicts a damaging outcome for this variant. 4/5 splice prediction tools predict no significant impact on normal splicing. However, these predictions have yet to be confirmed by functional studies. This variant was found in 85/38144 control chromosomes (2 homozygotes), predominantly observed in the African subpopulation at a frequency of 0.02059 (81/3934). This frequency is about 374 times the estimated maximal expected allele frequency of a pathogenic RYR2 variant (0.000055), suggesting this is likely a benign polymorphism found primarily in the populations of African origin. In addition, multiple clinical diagnostic laboratories/reputable databases classified this variant as benign. The variant of interest has not, to our knowledge, been reported in affected individuals via publications nor evaluated for functional impact by in vivo/vitro studies. Taken together, this variant is classified as benign.

Ambry Genetics
Classification: Benign for Cardiovascular phenotype. Last evaluated: 2015-07-28. Review status: criteria provided, single submitter. Criteria: Ambry Variant Classification Scheme 2023. Collection method: clinical testing. Allele origin: germline.

Laboratory for Molecular Medicine, Mass General Brigham Personalized Medicine
Classification: Benign. Last evaluated: 2012-04-18. Review status: criteria provided, single submitter. Criteria: LMM Criteria. Collection method: clinical testing. Allele origin: germline. Observed: 2 variant alleles.
Comment: Val4522Val in Exon 94 of RYR2: This variant is not expected to have clinical sig nificance because it does not alter an amino acid residue, is not located within the splice consensus sequence, and it has been identified in 1.0% (31/3128) of African American chromosomes from a broad population by the NHLBI Exome Sequenci ng Project (dbSNP rs57360419).

Breakthrough Genomics
Classification: Likely benign. Review status: criteria provided, single submitter. Criteria: ACMG Guidelines, 2015. Collection method: not provided. Allele origin: germline. Inheritance: Autosomal dominant inheritance. Affected: yes.

Clinical Genetics DNA and cytogenetics Diagnostics Lab, Erasmus MC, Erasmus Medical Center
Classification: Benign. Review status: no assertion criteria provided. Collection method: clinical testing. Allele origin: germline. Affected: yes. Study: VKGL Data-share Consensus. Not counted in ClinVar's aggregate classification.

Clinical Genetics, Academic Medical Center
Classification: Benign. Review status: no assertion criteria provided. Collection method: clinical testing. Allele origin: germline. Affected: yes. Study: VKGL Data-share Consensus. Not counted in ClinVar's aggregate classification.

Genome Diagnostics Laboratory, University Medical Center Utrecht
Classification: Benign. Review status: no assertion criteria provided. Collection method: clinical testing. Allele origin: germline. Affected: yes. Study: VKGL Data-share Consensus. Not counted in ClinVar's aggregate classification.

NM_001035.3(RYR2):c.13566C>T (p.Val4522=)

Gene: RYR2 (ryanodine receptor 2; plus strand). Cytogenetic location: 1q43.
Variant type: single nucleotide variant.
Coding change: c.13566C>T on transcript NM_001035.3 (MANE Select); coding-DNA position 13566, C replaced by T.
Protein change: p.Val4522=; no amino-acid change (valine 4522 retained).
Molecular consequence: synonymous variant.
Genome position (GRCh38, 1-based): chr1:237,792,107, C>T. VCF-style: chr1-237792107-C-T. GRCh37 (hg19) VCF-style: chr1-237955407-C-T.
Other names: p.Val4522=.
Identifiers: ClinVar variation 43727 (VCV000043727.36), dbSNP rs57360419, ClinGen allele CA007973.